The following is an entry in ClinVar:

NM_000038.6(APC):c.933+8A>C

Gene: APC (APC regulator of Wnt signaling pathway; plus strand). Cytogenetic location: 5q22.2.
Variant type: single nucleotide variant.
Coding change: c.933+8A>C on transcript NM_000038.6 (MANE Select); 8 bases into the intron after coding-DNA position 933, A replaced by C.
Molecular consequence: intron variant.
Genome position (GRCh38, 1-based): chr5:112,815,601, A>C. VCF-style: chr5-112815601-A-C. GRCh37 (hg19) VCF-style: chr5-112151298-A-C.
Other names: c.84+8A>C (NM_001407470.1, NM_001407472.1, NM_001354906.2 and 1 more transcripts); c.933+8A>C (NM_001407447.1, NM_001354895.2, NM_001407456.1 and 12 more transcripts); c.849+8A>C (NM_001407452.1, NM_001407469.1, NM_001354899.2 and 1 more transcripts); c.963+8A>C (NM_001407446.1, NM_001354897.2, NM_001354902.2); c.879+8A>C (NM_001127511.3); c.756+8A>C (NM_001407453.1, NM_001354900.2, NM_001354901.2 and 1 more transcripts); c.858+8A>C (NM_001407451.1, NM_001354898.2, NM_001354904.2).
Identifiers: ClinVar variation 3148299 (VCV003148299.1), dbSNP rs2532973807, ClinGen allele CA2825001379.

ClinVar aggregate classification (germline): Likely benign (1 of 4 stars; one submission).

Conditions:
Familial adenomatous polyposis 1 (FAP1). Also called: POLYPOSIS, ADENOMATOUS INTESTINAL; FAMILIAL ADENOMATOUS POLYPOSIS 1, ATTENUATED. Identifiers: MedGen C2713442, MONDO:0021056, OMIM 175100. Disease mechanism: loss of function.

Submission:

Myriad Genetics, Inc.
Classification: Likely benign for Familial adenomatous polyposis 1. Last evaluated: 2024-02-29. Review status: criteria provided, single submitter. Criteria: Myriad Autosomal Dominant, Autosomal Recessive and X-Linked Classification Criteria (2023). Collection method: clinical testing. Allele origin: unknown.
Comment: This variant is considered likely benign. This variant is intronic and is not expected to impact mRNA splicing.